The following is an entry in ClinVar:

ClinVar aggregate classification (germline): Uncertain significance (1 of 4 stars; one submission).

Submission:

Labcorp Genetics (formerly Invitae), Labcorp
Classification: Uncertain significance. Last evaluated: 2023-02-01. Review status: criteria provided, single submitter. Criteria: Invitae Variant Classification Sherloc (09022015). Collection method: clinical testing. Allele origin: germline.
Comment: In summary, the available evidence is currently insufficient to determine the role of this variant in disease. Therefore, it has been classified as a Variant of Uncertain Significance. Advanced modeling of protein sequence and biophysical properties (such as structural, functional, and spatial information, amino acid conservation, physicochemical variation, residue mobility, and thermodynamic stability) performed at Invitae indicates that this missense variant is not expected to disrupt SLC19A2 protein function. This variant has not been reported in the literature in individuals affected with SLC19A2-related conditions. This variant is not present in population databases (gnomAD no frequency). This sequence change replaces alanine, which is neutral and non-polar, with threonine, which is neutral and polar, at codon 44 of the SLC19A2 protein (p.Ala44Thr).

NM_006996.3(SLC19A2):c.130G>A (p.Ala44Thr)

Genes: SLC19A2 (solute carrier family 19 member 2; minus strand), LOC129931894 (ATAC-STARR-seq lymphoblastoid silent region 1546; plus strand). Cytogenetic location: 1q24.2.
Variant type: single nucleotide variant.
Coding change: c.130G>A on transcript NM_006996.3 (MANE Select); coding-DNA position 130, G replaced by A.
Protein change: p.Ala44Thr; replaces alanine 44 with threonine.
Molecular consequence: missense variant.
Genome position (GRCh38, 1-based): chr1:169,485,637, C>T on the plus strand (G>A on the coding strand, the complement: SLC19A2 is on the minus strand). VCF-style: chr1-169485637-C-T. GRCh37 (hg19) VCF-style: chr1-169454875-C-T.
Other names: c.130G>A, p.Ala44Thr (NM_001319667.1); short protein forms A44T.
Identifiers: ClinVar variation 2833774 (VCV002833774.3), dbSNP rs202220171, ClinGen allele CA343112220.